The following is an entry in ClinVar:

NM_004453.4(ETFDH):c.1802T>A (p.Ile601Asn)

Gene: ETFDH (electron transfer flavoprotein dehydrogenase; plus strand). Cytogenetic location: 4q32.1.
Variant type: single nucleotide variant.
Coding change: c.1802T>A on transcript NM_004453.4 (MANE Select); coding-DNA position 1802, T replaced by A.
Protein change: p.Ile601Asn; replaces isoleucine 601 with asparagine.
Molecular consequence: missense variant.
Genome position (GRCh38, 1-based): chr4:158,708,475, T>A. VCF-style: chr4-158708475-T-A. GRCh37 (hg19) VCF-style: chr4-159629627-T-A.
Other names: c.1661T>A, p.Ile554Asn (NM_001281737.2); c.1619T>A, p.Ile540Asn (NM_001281738.1); short protein forms I540N, I601N, I554N.
Identifiers: ClinVar variation 2831133 (VCV002831133.3), dbSNP rs2476741595, ClinGen allele CA358566842.

ClinVar aggregate classification (germline): Uncertain significance (1 of 4 stars; one submission).

Conditions:
Multiple acyl-CoA dehydrogenase deficiency (MADD). Also called: ETHYLMALONIC-ADIPICACIDURIA; GA II; Glutaric aciduria, type 2; Glutaric Acidemia type 2; Glutaric acidemia type II; GA 2. Identifiers: Orphanet 26791, MedGen C0268596, MONDO:0009282, OMIM 231680.

Submission:

Labcorp Genetics (formerly Invitae), Labcorp
Classification: Uncertain significance for Multiple acyl-CoA dehydrogenase deficiency. Last evaluated: 2023-05-15. Review status: criteria provided, single submitter. Criteria: Invitae Variant Classification Sherloc (09022015). Collection method: clinical testing. Allele origin: germline.
Comment: This variant has not been reported in the literature in individuals affected with ETFDH-related conditions. Advanced modeling of protein sequence and biophysical properties (such as structural, functional, and spatial information, amino acid conservation, physicochemical variation, residue mobility, and thermodynamic stability) performed at Invitae indicates that this missense variant is expected to disrupt ETFDH protein function. In summary, the available evidence is currently insufficient to determine the role of this variant in disease. Therefore, it has been classified as a Variant of Uncertain Significance. This sequence change replaces isoleucine, which is neutral and non-polar, with asparagine, which is neutral and polar, at codon 601 of the ETFDH protein (p.Ile601Asn). This variant is not present in population databases (gnomAD no frequency).